The following is an entry in ClinVar:

NM_001003800.2(BICD2):c.368C>T (p.Thr123Met)

Gene: BICD2 (BICD cargo adaptor 2; minus strand). Cytogenetic location: 9q22.31.
Variant type: single nucleotide variant.
Coding change: c.368C>T on transcript NM_001003800.2 (MANE Select); coding-DNA position 368, C replaced by T.
Protein change: p.Thr123Met; replaces threonine 123 with methionine.
Molecular consequence: missense variant.
Genome position (GRCh38, 1-based): chr9:92,729,109, G>A on the plus strand (C>T on the coding strand, the complement: BICD2 is on the minus strand). VCF-style: chr9-92729109-G-A. GRCh37 (hg19) VCF-style: chr9-95491391-G-A.
Other names: c.368C>T, p.Thr123Met (NM_015250.4); short protein forms T123M.
Identifiers: ClinVar variation 664075 (VCV000664075.8), dbSNP rs372717499, ClinGen allele CA5126834.

ClinVar aggregate classification (germline): Likely benign. Review status: criteria provided, multiple submitters, no conflicts (2 of 4 stars). 2 submissions from 2 submitters: Likely benign (2). Last evaluated 2026-02-03.

Conditions:
Autosomal dominant childhood-onset proximal spinal muscular atrophy with contractures (SMALED2A). Also called: SPINAL MUSCULAR ATROPHY, LOWER EXTREMITY-PREDOMINANT, 2A, CHILDHOOD ONSET, AUTOSOMAL DOMINANT; Spinal muscular atrophy, lower extremity-predominant, 2A, autosomal dominant. Identifiers: Orphanet 363447, Orphanet 363454, MedGen C4747715, MONDO:0014121, OMIM 615290.

Allele frequency attached by ClinVar (database versions not stated): ExAC 0.00002; gnomAD 0.00002 and 0.00003; gnomAD exomes 0.00002; TOPMed 0.00003; ESP Exome Variant Server 0.00008.
gnomAD v4.1: 38 of 1,614,118 alleles (0.0024%); highest among the groups gnomAD compares: South Asian, 0.0055%; no homozygotes.

Submissions (2):

Labcorp Genetics (formerly Invitae), Labcorp
Classification: Likely benign for Autosomal dominant childhood-onset proximal spinal muscular atrophy with contractures. Last evaluated: 2026-02-03. Review status: criteria provided, single submitter. Criteria: Invitae Variant Classification Sherloc (09022015). Collection method: clinical testing. Allele origin: germline.

Women's Health and Genetics/Laboratory Corporation of America, LabCorp
Classification: Likely benign. Last evaluated: 2025-03-24. Review status: criteria provided, single submitter. Criteria: LabCorp Variant Classification Summary - May 2015. Collection method: clinical testing. Allele origin: germline.
Comment: Variant summary: BICD2 c.368C>T (p.Thr123Met) results in a non-conservative amino acid change in the encoded protein sequence. Three of five in-silico tools predict a benign effect of the variant on protein function. The variant allele was found at a frequency of 2.4e-05 in 1614118 control chromosomes (gnomAD). The observed variant frequency is approximately 23.5 fold of the estimated maximal expected allele frequency for a pathogenic variant in BICD2 causing Autosomal dominant childhood-onset proximal spinal muscular atrophy with contractures phenotype (1e-06). To our knowledge, no occurrence of c.368C>T in individuals affected with Autosomal dominant childhood-onset proximal spinal muscular atrophy with contractures and no experimental evidence demonstrating its impact on protein function have been reported. ClinVar contains an entry for this variant (Variation ID: 664075). Based on the evidence outlined above, the variant was classified as likely benign.